The following is an entry in ClinVar:

ClinVar aggregate classification (germline): Conflicting classifications of pathogenicity. Review status: criteria provided, conflicting classifications (1 of 4 stars). 2 submissions from 2 submitters: Uncertain significance (1); Likely benign (1). Last evaluated 2025-07-09.

Conditions:
Inborn genetic diseases. Identifiers: MedGen C0950123, MeSH D030342.

gnomAD v4.1: 51 of 1,614,064 alleles (0.0032%); highest among the groups gnomAD compares: African/African-American, 0.063%; no homozygotes.

Submissions (2):

Dasa
Classification: Uncertain significance. Last evaluated: 2025-07-09. Review status: criteria provided, single submitter. Criteria: DASA Assertion Criteria. Collection method: clinical testing. Allele origin: germline.
Comment: NM_005909.5(MAP1B):c.5927A>C (p.Lys1976Thr) is a missense variant that results in the substitution of lysine with threonine. This variant is rare in population databases. Computational prediction algorithms are consistent with a benign effect. The currently available literature and clinical evidence are not sufficient to establish a definitive association between this variant and the reported condition. Therefore, this variant is classified as a variant of uncertain significance.

Ambry Genetics
Classification: Likely benign for Inborn genetic diseases. Last evaluated: 2025-06-10. Review status: criteria provided, single submitter. Criteria: Ambry Variant Classification Scheme 2023. Collection method: clinical testing. Allele origin: germline.

NM_005909.5(MAP1B):c.5927A>C (p.Lys1976Thr)

Gene: MAP1B (microtubule associated protein 1B; plus strand). Cytogenetic location: 5q13.2.
Variant type: single nucleotide variant.
Coding change: c.5927A>C on transcript NM_005909.5 (MANE Select); coding-DNA position 5927, A replaced by C.
Protein change: p.Lys1976Thr; replaces lysine 1976 with threonine.
Molecular consequence: missense variant.
Genome position (GRCh38, 1-based): chr5:72,199,282, A>C. VCF-style: chr5-72199282-A-C. GRCh37 (hg19) VCF-style: chr5-71495109-A-C.
Other names: c.5549A>C, p.Lys1850Thr (NM_001324255.2); short protein forms K1850T, K1976T.
Identifiers: ClinVar variation 4051096 (VCV004051096.3).